The following is an entry in ClinVar:

ClinVar aggregate classification (germline): Uncertain significance. Review status: criteria provided, multiple submitters, no conflicts (2 of 4 stars). 2 submissions from 2 submitters: Uncertain significance (2). Last evaluated 2025-03-07.

Allele frequency attached by ClinVar (database versions not stated): TOPMed below 0.00001; gnomAD 0.00001; ExAC 0.00002; gnomAD exomes 0.00002.
gnomAD v4.1: 30 of 1,601,360 alleles (0.0019%); highest among the groups gnomAD compares: South Asian, 0.0067%; no homozygotes.

Submissions (2):

Ambry Genetics
Classification: Uncertain significance. Last evaluated: 2025-03-07. Review status: criteria provided, single submitter. Criteria: Ambry Variant Classification Scheme 2023. Collection method: clinical testing. Allele origin: germline.

Labcorp Genetics (formerly Invitae), Labcorp
Classification: Uncertain significance. Last evaluated: 2022-07-05. Review status: criteria provided, single submitter. Criteria: Invitae Variant Classification Sherloc (09022015). Collection method: clinical testing. Allele origin: germline.
Comment: This sequence change replaces cysteine, which is neutral and slightly polar, with tyrosine, which is neutral and polar, at codon 354 of the FSCN2 protein (p.Cys354Tyr). In summary, the available evidence is currently insufficient to determine the role of this variant in disease. Therefore, it has been classified as a Variant of Uncertain Significance. Algorithms developed to predict the effect of missense changes on protein structure and function are either unavailable or do not agree on the potential impact of this missense change (SIFT: "Deleterious"; PolyPhen-2: "Probably Damaging"; Align-GVGD: "Class C0"). ClinVar contains an entry for this variant (Variation ID: 1002007). This variant has not been reported in the literature in individuals affected with FSCN2-related conditions. The frequency data for this variant in the population databases is considered unreliable, as metrics indicate poor data quality at this position in the gnomAD database.

NM_012418.4(FSCN2):c.1061G>A (p.Cys354Tyr)

Gene: FSCN2 (fascin actin-bundling protein 2, retinal; plus strand). Cytogenetic location: 17q25.3.
Variant type: single nucleotide variant.
Coding change: c.1061G>A on transcript NM_012418.4 (MANE Select); coding-DNA position 1061, G replaced by A.
Protein change: p.Cys354Tyr; replaces cysteine 354 with tyrosine.
Molecular consequence: missense variant.
Genome position (GRCh38, 1-based): chr17:81,536,223, G>A. VCF-style: chr17-81536223-G-A. GRCh37 (hg19) VCF-style: chr17-79503249-G-A.
Other names: c.1061G>A (NM_001077182.2); c.1061G>A, p.Cys354Tyr (NM_001077182.3); short protein forms C354Y.
Identifiers: ClinVar variation 1002007 (VCV001002007.9), dbSNP rs768257341, ClinGen allele CA8836944.